The following is an entry in ClinVar:

ClinVar aggregate classification (germline): Uncertain significance (1 of 4 stars; one submission).

Submission:

GeneDx
Classification: Uncertain significance. Last evaluated: 2024-02-18. Review status: criteria provided, single submitter. Criteria: GeneDx Variant Classification Process June 2021. Collection method: clinical testing. Allele origin: germline. Affected: yes.
Comment: Not observed at significant frequency in large population cohorts (gnomAD); In silico analysis supports that this missense variant does not alter protein structure/function; Has not been previously published as pathogenic or benign to our knowledge

NM_004958.4(MTOR):c.6249G>C (p.Glu2083Asp)

Gene: MTOR (mechanistic target of rapamycin kinase; minus strand). Cytogenetic location: 1p36.22.
Variant type: single nucleotide variant.
Coding change: c.6249G>C on transcript NM_004958.4 (MANE Select); coding-DNA position 6249, G replaced by C.
Protein change: p.Glu2083Asp; replaces glutamic acid 2083 with aspartic acid.
Molecular consequence: missense variant.
Genome position (GRCh38, 1-based): chr1:11,127,112, C>G on the plus strand (G>C on the coding strand, the complement: MTOR is on the minus strand). VCF-style: chr1-11127112-C-G. GRCh37 (hg19) VCF-style: chr1-11187169-C-G.
Other names: c.6249G>C, p.Glu2083Asp (NM_001386500.1); c.5001G>C, p.Glu1667Asp (NM_001386501.1); short protein forms E1667D, E2083D.
Identifiers: ClinVar variation 3369237 (VCV003369237.1).